The following is an entry in ClinVar:

ClinVar aggregate classification (germline): Uncertain significance. Review status: criteria provided, multiple submitters, no conflicts (2 of 4 stars). 2 submissions from 2 submitters: Uncertain significance (2). Last evaluated 2024-03-06.

Allele frequency attached by ClinVar (database versions not stated): ExAC 0.00008; ESP Exome Variant Server 0.00015; gnomAD 0.00016 and 0.00017; TOPMed 0.00022.
gnomAD v4.1: 102 of 1,613,682 alleles (0.0063%); highest among the groups gnomAD compares: African/African-American, 0.039%; no homozygotes.

Submissions (2):

GeneDx
Classification: Uncertain significance. Last evaluated: 2024-03-06. Review status: criteria provided, single submitter. Criteria: GeneDx Variant Classification Process June 2021. Collection method: clinical testing. Allele origin: germline. Affected: yes.
Comment: Has not been previously published as pathogenic or benign to our knowledge; In silico analysis supports that this missense variant does not alter protein structure/function; Reported using an alternate transcript of the gene

Laboratory for Molecular Medicine, Mass General Brigham Personalized Medicine
Classification: Uncertain significance. Last evaluated: 2014-01-21. Review status: criteria provided, single submitter. Criteria: LMM Criteria. Collection method: clinical testing. Allele origin: germline. Observed: 1 variant allele.
Comment: The Arg269His variant in TMPO has not been previously reported in individuals wi th cardiomyopathy, but it has been identified in 2/4406 African American chromos omes by the NHLBI Exome Sequencing Project (d bSNP rs142891873). Computational analyses (biochemical amino acid properties, c onservation, AlignGVGD, PolyPhen2, and SIFT) do not provide strong support for o r against an impact to the protein. Additional information is needed to fully a ssess the clinical significance of the Arg269His variant.

NM_001032283.3(TMPO):c.806G>A (p.Arg269His)

Gene: TMPO (thymopoietin; plus strand). Cytogenetic location: 12q23.1.
Variant type: single nucleotide variant.
Coding change: c.806G>A on transcript NM_001032283.3 (MANE Select); coding-DNA position 806, G replaced by A.
Protein change: p.Arg269His; replaces arginine 269 with histidine.
Molecular consequence: missense variant. On other transcripts: intron variant (1).
Genome position (GRCh38, 1-based): chr12:98,544,464, G>A. VCF-style: chr12-98544464-G-A. GRCh37 (hg19) VCF-style: chr12-98938242-G-A.
Other names: c.686G>A, p.Arg229His (NM_001307975.2); c.664-1895G>A (NM_001032284.3); short protein forms R269H, R229H.
Identifiers: ClinVar variation 165476 (VCV000165476.6), dbSNP rs142891873, ClinGen allele CA178243.
Genomic context (GRCh38, chr12:98,544,464, plus strand): 5'-TTATATTTATTGTTTTTGTTTTGTTTTCAAACTAACAGGTGGAAACTTCAGAACATTTTC[G>A]TATAGATGGTCCAGTAATTTCAGAGAGTACTCCCATAGCTGAAACTATAATGGCTTCAAG-3'
Protein context (NP_001027454.1, residues 259-279): RKRVETSEHF[Arg269His]IDGPVISEST